The following is an entry in ClinVar:

ClinVar aggregate classification (germline): Likely pathogenic (1 of 4 stars; one submission).

Conditions:
Autosomal dominant intellectual disability-craniofacial anomalies-cardiac defects syndrome (ARTHS). Also called: Arboleda-Tham syndrome; Mental retardation, autosomal dominant 32; KAT6A syndrome. Identifiers: Orphanet 457193, MedGen C4225396, MONDO:0014558, OMIM 616268.

Submission:

3billion
Classification: Likely pathogenic for Autosomal dominant intellectual disability-craniofacial anomalies-cardiac defects syndrome. Last evaluated: 2025-09-15. Review status: criteria provided, single submitter. Criteria: ACMG Guidelines, 2015. Collection method: clinical testing. Allele origin: germline. Affected: yes.
Comment: The variant is not observed in the gnomAD v4.1.0 dataset. Predicted Consequence/Location: Stop-gained (nonsense): predicted to result in a loss or disruption of normal protein function through protein truncation. The predicted truncated protein may be shortened by more than 10%. Therefore, this variant is classified as Likely pathogenic according to the recommendation of ACMG/AMP guideline.

NM_006766.5(KAT6A):c.3874G>T (p.Glu1292Ter)

Gene: KAT6A (lysine acetyltransferase 6A; minus strand). Cytogenetic location: 8p11.21.
Variant type: single nucleotide variant.
Coding change: c.3874G>T on transcript NM_006766.5 (MANE Select); coding-DNA position 3874, G replaced by T.
Protein change: p.Glu1292Ter; replaces glutamic acid 1292 with a stop codon.
Molecular consequence: nonsense.
Genome position (GRCh38, 1-based): chr8:41,934,346, C>A on the plus strand (G>T on the coding strand, the complement: KAT6A is on the minus strand). VCF-style: chr8-41934346-C-A. GRCh37 (hg19) VCF-style: chr8-41791864-C-A.
Other names: short protein forms E1292*.
Identifiers: ClinVar variation 4855000 (VCV004855000.1).